The following is an entry in ClinVar:

ClinVar aggregate classification (germline): Uncertain significance (1 of 4 stars; one submission).

Conditions:
Wilms tumor 1 (WT1). Also called: Wilms tumor, somatic. Identifiers: Orphanet 654, MedGen CN033288, MONDO:0008679, OMIM 194070.

Submission:

Labcorp Genetics (formerly Invitae), Labcorp
Classification: Uncertain significance for Wilms tumor 1. Last evaluated: 2021-08-06. Review status: criteria provided, single submitter. Criteria: Invitae Variant Classification Sherloc (09022015). Collection method: clinical testing. Allele origin: germline.
Comment: This sequence change affects codon 344 of the GPC3 mRNA. It is a 'silent' change, meaning that it does not change the encoded amino acid sequence of the GPC3 protein. It affects a nucleotide within the consensus splice site of the intron. This variant is not present in population databases (ExAC no frequency). This variant has not been reported in the literature in individuals affected with GPC3-related conditions. Algorithms developed to predict the effect of sequence changes on RNA splicing suggest that this variant is not likely to affect RNA splicing. In summary, the available evidence is currently insufficient to determine the role of this variant in disease. Therefore, it has been classified as a Variant of Uncertain Significance.

NM_004484.4(GPC3):c.1032T>C (p.Thr344=)

Gene: GPC3 (glypican 3; minus strand). Cytogenetic location: Xq26.2.
Variant type: single nucleotide variant.
Coding change: c.1032T>C on transcript NM_004484.4 (MANE Select); coding-DNA position 1032, T replaced by C.
Protein change: p.Thr344=; no amino-acid change (threonine 344 retained).
Molecular consequence: synonymous variant.
Genome position (GRCh38, 1-based): chrX:133,753,482, A>G on the plus strand (T>C on the coding strand, the complement: GPC3 is on the minus strand). VCF-style: chrX-133753482-A-G. GRCh37 (hg19) VCF-style: chrX-132887509-A-G.
Other names: c.1032T>C, p.Thr344= (NM_001164617.2); c.984T>C, p.Thr328= (NM_001164618.2); c.870T>C, p.Thr290= (NM_001164619.2).
Identifiers: ClinVar variation 1372974 (VCV001372974.6), dbSNP rs2124479695, ClinGen allele CA518852709.
Genomic context (GRCh38, chrX:133,753,482, plus strand): 5'-TACTGGCCACCTCACCCCAATAAGGCCCAAATCCTCTGACAACTGTAGACTGGTACTCAC[A>G]GTGGTGGTCAGCTTTCCTGCATTCTTCTGGACATACTGGATAGAATCATGGATTGTTGAA-3'
Protein context (NP_004475.1, residues 334-354): VQKNAGKLTT[Thr344=]IGKLCAHSQQ